The following is an entry in ClinVar:

NM_000533.5(PLP1):c.669C>G (p.Asn223Lys)

Genes: PLP1 (proteolipid protein 1; plus strand), RAB9B (RAB9B, member RAS oncogene family; minus strand). Cytogenetic location: Xq22.2.
Variant type: single nucleotide variant.
Coding change: c.669C>G on transcript NM_000533.5 (MANE Select); coding-DNA position 669, C replaced by G.
Protein change: p.Asn223Lys; replaces asparagine 223 with lysine.
Molecular consequence: missense variant.
Genome position (GRCh38, 1-based): chrX:103,788,483, C>G. VCF-style: chrX-103788483-C-G. GRCh37 (hg19) VCF-style: chrX-103043412-C-G.
Other names: c.669C>G, p.Asn223Lys (NM_001128834.3); c.504C>G, p.Asn168Lys (NM_001305004.1); c.564C>G, p.Asn188Lys (NM_199478.3); short protein forms N168K, N188K, N223K.
Identifiers: ClinVar variation 3609091 (VCV003609091.2).
Genomic context (GRCh38, chrX:103,788,483, plus strand): 5'-TGTGTCTTACTTAGGTGTTCTCCCATGGAATGCTTTCCCTGGCAAGGTTTGTGGCTCCAA[C>G]CTTCTGTCCATCTGCAAAACAGCTGAGGTGAGTGGGTTATTTGGGTTATTTTACAAGGGA-3'
Protein context (NP_000524.3, residues 213-233): NAFPGKVCGS[Asn223Lys]LLSICKTAEF

ClinVar aggregate classification (germline): Uncertain significance (1 of 4 stars; one submission).

Conditions:
Hereditary spastic paraplegia 2 (SPG2). Also called: SPASTIC PARAPLEGIA 2, X-LINKED; Spastic Paraplegia 2 (SPG2). Identifiers: Orphanet 99015, MedGen C0751604, MONDO:0010733, OMIM 312920.

Submission:

Labcorp Genetics (formerly Invitae), Labcorp
Classification: Uncertain significance for Hereditary spastic paraplegia 2. Last evaluated: 2025-06-02. Review status: criteria provided, single submitter. Criteria: Invitae Variant Classification Sherloc (09022015). Collection method: clinical testing. Allele origin: germline.
Comment: This sequence change replaces asparagine, which is neutral and polar, with lysine, which is basic and polar, at codon 223 of the PLP1 protein (p.Asn223Lys). This variant is not present in population databases (gnomAD no frequency). This variant has not been reported in the literature in individuals affected with PLP1-related conditions. ClinVar contains an entry for this variant (Variation ID: 3609091). Invitae Evidence Modeling of protein sequence and biophysical properties (such as structural, functional, and spatial information, amino acid conservation, physicochemical variation, residue mobility, and thermodynamic stability) indicates that this missense variant is not expected to disrupt PLP1 protein function with a negative predictive value of 80%. In summary, the available evidence is currently insufficient to determine the role of this variant in disease. Therefore, it has been classified as a Variant of Uncertain Significance.